The following is an entry in ClinVar:

NM_001363711.2(DUOX2):c.1425C>G (p.Tyr475Ter)

Gene: DUOX2 (dual oxidase 2; minus strand). Cytogenetic location: 15q21.1.
Variant type: single nucleotide variant.
Coding change: c.1425C>G on transcript NM_001363711.2 (MANE Select); coding-DNA position 1425, C replaced by G.
Protein change: p.Tyr475Ter; replaces tyrosine 475 with a stop codon.
Molecular consequence: nonsense.
Genome position (GRCh38, 1-based): chr15:45,108,196, G>C on the plus strand (C>G on the coding strand, the complement: DUOX2 is on the minus strand). VCF-style: chr15-45108196-G-C. GRCh37 (hg19) VCF-style: chr15-45400394-G-C.
Other names: c.1425C>G, p.Tyr475Ter (NM_014080.5); short protein forms Y475*.
Identifiers: ClinVar variation 2988444 (VCV002988444.3), dbSNP rs372584501, ClinGen allele CA392276653.

ClinVar aggregate classification (germline): Pathogenic (1 of 4 stars; one submission).

Submission:

Labcorp Genetics (formerly Invitae), Labcorp
Classification: Pathogenic. Last evaluated: 2023-02-05. Review status: criteria provided, single submitter. Criteria: Invitae Variant Classification Sherloc (09022015). Collection method: clinical testing. Allele origin: germline.
Comment: This sequence change creates a premature translational stop signal (p.Tyr475*) in the DUOX2 gene. It is expected to result in an absent or disrupted protein product. Loss-of-function variants in DUOX2 are known to be pathogenic (PMID: 12110737, 18765513, 21565790, 24423310, 24735383). This variant is not present in population databases (gnomAD no frequency). This variant has not been reported in the literature in individuals affected with DUOX2-related conditions. For these reasons, this variant has been classified as Pathogenic.

Literature cited by the submitters: PubMed 12110737; PubMed 18765513; PubMed 21565790; PubMed 24423310; PubMed 24735383.